The following is an entry in ClinVar:

NM_001378454.1(ALMS1):c.6212T>C (p.Ile2071Thr)

Gene: ALMS1 (ALMS1 centrosome and basal body associated protein; plus strand). Cytogenetic location: 2p13.1.
Variant type: single nucleotide variant.
Coding change: c.6212T>C on transcript NM_001378454.1 (MANE Select); coding-DNA position 6212, T replaced by C.
Protein change: p.Ile2071Thr; replaces isoleucine 2071 with threonine.
Molecular consequence: missense variant.
Genome position (GRCh38, 1-based): chr2:73,452,739, T>C. VCF-style: chr2-73452739-T-C. GRCh37 (hg19) VCF-style: chr2-73679866-T-C.
Other names: c.6215T>C, p.Ile2072Thr (NM_015120.4); short protein forms I2072T, I2071T.
Identifiers: ClinVar variation 383769 (VCV000383769.30), dbSNP rs10496192, ClinGen allele CA1714028.

ClinVar aggregate classification (germline): Benign. Review status: criteria provided, multiple submitters, no conflicts (2 of 4 stars). 11 submissions from 11 submitters: Benign (7). 4 of the submissions do not count toward it. Last evaluated 2026-02-04.

Conditions:
Cardiovascular phenotype. Identifiers: MedGen CN230736.
Alstrom syndrome (ALMS). Identifiers: Orphanet 64, MedGen C0268425, MONDO:0008763, OMIM 203800.

Allele frequency attached by ClinVar (database versions not stated): 1000 Genomes Project 0.10363; 1000 Genomes Project 30x 0.10462; gnomAD 0.13663 and 0.13807; TOPMed 0.14011; ESP Exome Variant Server 0.14037; ExAC 0.14322; gnomAD exomes 0.14500 and 0.16114.
gnomAD v4.1: 255,636 of 1,613,212 alleles (16%); highest among the groups gnomAD compares: Middle Eastern, 19%; 21,161 homozygotes.

Submissions (11):

Labcorp Genetics (formerly Invitae), Labcorp
Classification: Benign for Alstrom syndrome. Last evaluated: 2026-02-04. Review status: criteria provided, single submitter. Criteria: Invitae Variant Classification Sherloc (09022015). Collection method: clinical testing. Allele origin: germline.

Blueprint Genetics
Classification: Benign. Last evaluated: 2024-11-26. Review status: criteria provided, single submitter. Criteria: ACMG Guidelines, 2015. Collection method: clinical testing. Allele origin: germline.

Genome-Nilou Lab
Classification: Benign for Alstrom syndrome. Last evaluated: 2021-07-14. Review status: criteria provided, single submitter. Criteria: ACMG Guidelines, 2015. Collection method: clinical testing. Allele origin: germline. Affected: no.

Ambry Genetics
Classification: Benign for Cardiovascular phenotype. Last evaluated: 2018-12-21. Review status: criteria provided, single submitter. Criteria: Ambry Variant Classification Scheme 2023. Collection method: clinical testing. Allele origin: germline.

GeneDx
Classification: Benign. Last evaluated: 2016-09-23. Review status: criteria provided, single submitter. Criteria: GeneDx Variant Classification (06012015). Collection method: clinical testing. Allele origin: germline. Affected: yes.
Comment: This variant is considered likely benign or benign based on one or more of the following criteria: it is a conservative change, it occurs at a poorly conserved position in the protein, it is predicted to be benign by multiple in silico algorithms, and/or has population frequency not consistent with disease.

Laboratory for Molecular Medicine, Mass General Brigham Personalized Medicine
Classification: Benign. Last evaluated: 2016-03-21. Review status: criteria provided, single submitter. Criteria: LMM Criteria. Collection method: clinical testing. Allele origin: germline. Observed: 82 variant alleles.
Comment: p.Ile2070Thr in exon 8 of ALMS1: This variant is not expected to have clinical s ignificance because it has been identified in 16.61% (10786/64944) of European c hromosomes by the Exome Aggregation Consortium (ExAC .org; dbSNP rs10496192).

Breakthrough Genomics
Classification: Benign. Review status: criteria provided, single submitter. Criteria: ACMG Guidelines, 2015. Collection method: not provided. Allele origin: germline. Inheritance: Autosomal recessive inheritance. Affected: yes.

Natera, Inc.
Classification: Benign for Alstrom syndrome. Last evaluated: 2020-09-16. Review status: no assertion criteria provided. Collection method: clinical testing. Allele origin: germline. Not counted in ClinVar's aggregate classification.

Clinical Genetics, Academic Medical Center
Classification: Benign. Review status: no assertion criteria provided. Collection method: clinical testing. Allele origin: germline. Affected: yes. Study: VKGL Data-share Consensus. Not counted in ClinVar's aggregate classification.

Diagnostic Laboratory, Department of Genetics, University Medical Center Groningen
Classification: Benign. Review status: no assertion criteria provided. Collection method: clinical testing. Allele origin: germline. Affected: yes. Study: VKGL Data-share Consensus. Not counted in ClinVar's aggregate classification.

Joint Genome Diagnostic Labs from Nijmegen and Maastricht, Radboudumc and MUMC+
Classification: Benign. Review status: no assertion criteria provided. Collection method: clinical testing. Allele origin: germline. Affected: yes. Study: VKGL Data-share Consensus. Not counted in ClinVar's aggregate classification.